The following is an entry in ClinVar:

NM_000516.7(GNAS):c.970+1G>A

Gene: GNAS (GNAS complex locus; plus strand). Cytogenetic location: 20q13.32.
Variant type: single nucleotide variant.
Coding change: c.970+1G>A on transcript NM_000516.7 (MANE Select); the canonical splice donor site of the intron after coding-DNA position 970, G replaced by A.
Molecular consequence: splice donor variant.
Genome position (GRCh38, 1-based): chr20:58,910,082, G>A. VCF-style: chr20-58910082-G-A. GRCh37 (hg19) VCF-style: chr20-57485137-G-A.
Other names: c.*876+1G>A (NM_016592.5); c.874+1G>A (NM_001410912.1); c.793+1G>A (NM_001309861.2, NM_001309840.2); c.*831+1G>A (NM_001077490.3); c.2899+1G>A (NM_080425.4); c.2854+1G>A (NM_001410913.1); c.973+1G>A (NM_001077488.5); c.928+1G>A (NM_080426.4); and 1 more.
Identifiers: ClinVar variation 2770755 (VCV002770755.3), dbSNP rs878871097, ClinGen allele CA409453410.

ClinVar aggregate classification (germline): Pathogenic (1 of 4 stars; one submission).

Submission:

Labcorp Genetics (formerly Invitae), Labcorp
Classification: Pathogenic. Last evaluated: 2023-11-09. Review status: criteria provided, single submitter. Criteria: Invitae Variant Classification Sherloc (09022015). Collection method: clinical testing. Allele origin: germline.
Comment: This sequence change affects a donor splice site in intron 11 of the GNAS gene. It is expected to disrupt RNA splicing. Variants that disrupt the donor or acceptor splice site typically lead to a loss of protein function (PMID: 16199547), and loss-of-function variants in GNAS are known to be pathogenic (PMID: 11784876, 23281139, 23796510, 25802881). This variant is not present in population databases (gnomAD no frequency). Disruption of this splice site has been observed in individual(s) with GNAS-related conditions (PMID: 31696922). In at least one individual the variant was observed to be de novo. Algorithms developed to predict the effect of sequence changes on RNA splicing suggest that this variant may disrupt the consensus splice site. For these reasons, this variant has been classified as Pathogenic.

Literature cited by the submitters: PubMed 16199547; PubMed 11784876; PubMed 23281139; PubMed 23796510; PubMed 25802881; PubMed 31696922.